The following is an entry in ClinVar:

ClinVar aggregate classification (germline): Likely benign. Review status: criteria provided, multiple submitters, no conflicts (2 of 4 stars). 3 submissions from 3 submitters: Likely benign (3). Last evaluated 2023-09-26.

Conditions:
Autosomal recessive limb-girdle muscular dystrophy type 2D (LGMDR3). Also called: MUSCULAR DYSTROPHY, LIMB-GIRDLE, AUTOSOMAL RECESSIVE 3; DUCHENNE-LIKE AUTOSOMAL RECESSIVE MUSCULAR DYSTROPHY, TYPE 2; ADHALINOPATHY, PRIMARY. Identifiers: Orphanet 62, MedGen C2936332, MONDO:0011968, OMIM 608099. Disease mechanism: Affects gamma-sarcoglycan and also disrupts the integrity of the entire sarcoglycan complex..

Allele frequency attached by ClinVar (database versions not stated): ExAC 0.00001; TOPMed 0.00002; gnomAD 0.00004; 1000 Genomes Project 0.00020; 1000 Genomes Project 30x 0.00031.

Submissions (3):

Labcorp Genetics (formerly Invitae), Labcorp
Classification: Likely benign for Autosomal recessive limb-girdle muscular dystrophy type 2D. Last evaluated: 2023-09-26. Review status: criteria provided, single submitter. Criteria: Invitae Variant Classification Sherloc (09022015). Collection method: clinical testing. Allele origin: germline.

Genome-Nilou Lab
Classification: Likely benign for Autosomal recessive limb-girdle muscular dystrophy type 2D. Last evaluated: 2023-02-08. Review status: criteria provided, single submitter. Criteria: ACMG Guidelines, 2015. Collection method: clinical testing. Allele origin: germline.

GeneDx
Classification: Likely benign. Last evaluated: 2017-07-27. Review status: criteria provided, single submitter. Criteria: GeneDx Variant Classification (06012015). Collection method: clinical testing. Allele origin: germline. Affected: yes.
Comment: This variant is considered likely benign or benign based on one or more of the following criteria: it is a conservative change, it occurs at a poorly conserved position in the protein, it is predicted to be benign by multiple in silico algorithms, and/or has population frequency not consistent with disease.

NM_000023.4(SGCA):c.1155C>T (p.Asp385=)

Gene: SGCA (sarcoglycan alpha; plus strand). Cytogenetic location: 17q21.33.
Variant type: single nucleotide variant.
Coding change: c.1155C>T on transcript NM_000023.4 (MANE Select); coding-DNA position 1155, C replaced by T.
Protein change: p.Asp385=; no amino-acid change (aspartic acid 385 retained).
Molecular consequence: synonymous variant. On other transcripts: non-coding transcript variant (1).
Genome position (GRCh38, 1-based): chr17:50,175,428, C>T. VCF-style: chr17-50175428-C-T. GRCh37 (hg19) VCF-style: chr17-48252789-C-T.
Other names: c.783C>T, p.Asp261= (NM_001135697.3).
Identifiers: ClinVar variation 471331 (VCV000471331.11), dbSNP rs183964744, ClinGen allele CA8644095.